The following is an entry in ClinVar:

ClinVar aggregate classification (germline): Uncertain significance. Review status: criteria provided, multiple submitters, no conflicts (2 of 4 stars). 2 submissions from 2 submitters: Uncertain significance (2). Last evaluated 2024-09-01.

gnomAD v4.1: 5 of 1,612,232 alleles (0.00031%); highest among the groups gnomAD compares: Middle Eastern, 0.016%; no homozygotes.

Submissions (2):

Labcorp Genetics (formerly Invitae), Labcorp
Classification: Uncertain significance. Last evaluated: 2024-09-01. Review status: criteria provided, single submitter. Criteria: Invitae Variant Classification Sherloc (09022015). Collection method: clinical testing. Allele origin: germline.
Comment: This sequence change replaces cysteine, which is neutral and slightly polar, with arginine, which is basic and polar, at codon 682 of the COL4A3 protein (p.Cys682Arg). This variant is present in population databases (no rsID available, gnomAD 0.0009%). This variant has not been reported in the literature in individuals affected with COL4A3-related conditions. Invitae Evidence Modeling of protein sequence and biophysical properties (such as structural, functional, and spatial information, amino acid conservation, physicochemical variation, residue mobility, and thermodynamic stability) indicates that this missense variant is not expected to disrupt COL4A3 protein function with a negative predictive value of 95%. In summary, the available evidence is currently insufficient to determine the role of this variant in disease. Therefore, it has been classified as a Variant of Uncertain Significance.

Blueprint Genetics
Classification: Uncertain significance. Last evaluated: 2017-10-03. Review status: criteria provided, single submitter. Criteria: ACMG Guidelines, 2015. Collection method: clinical testing. Allele origin: germline.

NM_000091.5(COL4A3):c.2044T>C (p.Cys682Arg)

Genes: COL4A3 (collagen type IV alpha 3 chain; plus strand), MFF-DT (MFF divergent transcript; minus strand). Cytogenetic location: 2q36.3.
Variant type: single nucleotide variant.
Coding change: c.2044T>C on transcript NM_000091.5 (MANE Select); coding-DNA position 2044, T replaced by C.
Protein change: p.Cys682Arg; replaces cysteine 682 with arginine.
Molecular consequence: missense variant.
Genome position (GRCh38, 1-based): chr2:227,277,472, T>C. VCF-style: chr2-227277472-T-C. GRCh37 (hg19) VCF-style: chr2-228142188-T-C.
Other names: short protein forms C682R.
Identifiers: ClinVar variation 3705403 (VCV003705403.2).